The following is an entry in ClinVar:

ClinVar aggregate classification (germline): Uncertain significance (1 of 4 stars; one submission).

Conditions:
Familial hemiplegic migraine. Identifiers: MedGen C0338484, MONDO:0000700.

Allele frequency attached by ClinVar (database versions not stated): ExAC 0.00001; gnomAD 0.00001; TOPMed 0.00002; 1000 Genomes Project 30x 0.00016; 1000 Genomes Project 0.00020.

Submissions (2):

Labcorp Genetics (formerly Invitae), Labcorp
Classification: Uncertain significance for Familial hemiplegic migraine. Last evaluated: 2022-08-22. Review status: criteria provided, single submitter. Criteria: Invitae Variant Classification Sherloc (09022015). Collection method: clinical testing. Allele origin: germline.
Comment: In summary, the available evidence is currently insufficient to determine the role of this variant in disease. Therefore, it has been classified as a Variant of Uncertain Significance. Algorithms developed to predict the effect of sequence changes on RNA splicing suggest that this variant may create or strengthen a splice site. Advanced modeling of protein sequence and biophysical properties (such as structural, functional, and spatial information, amino acid conservation, physicochemical variation, residue mobility, and thermodynamic stability) performed at Invitae indicates that this missense variant is not expected to disrupt ATP1A2 protein function. ClinVar contains an entry for this variant (Variation ID: 953860). This variant has not been reported in the literature in individuals affected with ATP1A2-related conditions. This variant is present in population databases (rs201688946, gnomAD 0.008%). This sequence change replaces alanine, which is neutral and non-polar, with threonine, which is neutral and polar, at codon 38 of the ATP1A2 protein (p.Ala38Thr).

Dr. Peter K. Rogan Lab, Western University
No classification provided (evidence only). Condition: Thyroid cancer, nonmedullary, 1. Review status: no classification provided. Collection method: in vitro. Allele origin: not applicable. Functional consequence: retained intron. Not counted in ClinVar's aggregate classification.

NM_000702.4(ATP1A2):c.112G>A (p.Ala38Thr)

Gene: ATP1A2 (ATPase Na+/K+ transporting subunit alpha 2; plus strand). Cytogenetic location: 1q23.2.
Variant type: single nucleotide variant.
Coding change: c.112G>A on transcript NM_000702.4 (MANE Select); coding-DNA position 112, G replaced by A.
Protein change: p.Ala38Thr; replaces alanine 38 with threonine.
Molecular consequence: missense variant.
Genome position (GRCh38, 1-based): chr1:160,121,005, G>A. VCF-style: chr1-160121005-G-A. GRCh37 (hg19) VCF-style: chr1-160090795-G-A.
Other names: short protein forms A38T.
Identifiers: ClinVar variation 953860 (VCV000953860.11), dbSNP rs201688946, ClinGen allele CA1194086.
Genomic context (GRCh38, chr1:160,121,005, plus strand): 5'-AATGGGGGCGGCAAGAAGAAACAGAAGGAGAAGGAACTGGATGAGCTGAAGAAGGAGGTG[G>A]CAATGGTGAGGGAACTGCTGGGCCATGGAGGAGGGGCCCCATGCTGGGAGAGCTGTCCCT-3'
Protein context (NP_000693.1, residues 28-48): KELDELKKEV[Ala38Thr]MDDHKLSLDE